The following is an entry in ClinVar:

NM_001130009.3(GEN1):c.2609C>G (p.Ser870Ter)

Gene: GEN1 (GEN1 structure-specific endonuclease; plus strand). Cytogenetic location: 2p24.2.
Variant type: single nucleotide variant.
Coding change: c.2609C>G on transcript NM_001130009.3 (MANE Select); coding-DNA position 2609, C replaced by G.
Protein change: p.Ser870Ter; replaces serine 870 with a stop codon.
Molecular consequence: nonsense.
Genome position (GRCh38, 1-based): chr2:17,781,821, C>G. VCF-style: chr2-17781821-C-G. GRCh37 (hg19) VCF-style: chr2-17963088-C-G.
Other names: c.2609C>G, p.Ser870Ter (NM_182625.5); short protein forms S870*.
Identifiers: ClinVar variation 1445234 (VCV001445234.6), dbSNP rs1021584208, ClinGen allele CA43361376.

ClinVar aggregate classification (germline): Uncertain significance (1 of 4 stars; one submission).

Allele frequency attached by ClinVar (database versions not stated): gnomAD exomes below 0.00001.
gnomAD v4.1: 6 of 1,597,492 alleles (0.00038%); highest among the groups gnomAD compares: African/African-American, 0.0013%; no homozygotes.

Submission:

Labcorp Genetics (formerly Invitae), Labcorp
Classification: Uncertain significance. Last evaluated: 2021-05-08. Review status: criteria provided, single submitter. Criteria: Invitae Variant Classification Sherloc (09022015). Collection method: clinical testing. Allele origin: germline.
Comment: In summary, the available evidence is currently insufficient to determine the role of this variant in disease. Therefore, it has been classified as a Variant of Uncertain Significance. Experimental studies and prediction algorithms are not available or were not evaluated, and the functional significance of this variant is currently unknown. This variant has not been reported in the literature in individuals with GEN1-related conditions. This variant is not present in population databases (ExAC no frequency). This sequence change creates a premature translational stop signal (p.Ser870*) in the GEN1 gene. While this is not anticipated to result in nonsense mediated decay, it is expected to disrupt the last 39 amino acid(s) of the GEN1 protein.